The following is an entry in ClinVar:

ClinVar aggregate classification (germline): Uncertain significance (1 of 4 stars; one submission).

Conditions:
Congenital muscular dystrophy due to integrin alpha-7 deficiency. Also called: MYOPATHY, CONGENITAL, DUE TO INTEGRIN ALPHA-7 DEFICIENCY; Congenital muscular dystrophy with integrin alpha-7 deficiency; Muscular dystrophy, congenital, due to ITGA7 deficiency. Identifiers: Orphanet 34520, MedGen C2750786, MONDO:0013177, OMIM 613204.

gnomAD v4.1: 1 of 1,614,010 alleles (0.000062%); highest among the groups gnomAD compares: Non-Finnish European, 0.000085%; no homozygotes.

Submission:

Labcorp Genetics (formerly Invitae), Labcorp
Classification: Uncertain significance for Congenital muscular dystrophy due to integrin alpha-7 deficiency. Last evaluated: 2025-08-21. Review status: criteria provided, single submitter. Criteria: Invitae Variant Classification Sherloc (09022015). Collection method: clinical testing. Allele origin: germline.
Comment: This sequence change replaces arginine, which is basic and polar, with glycine, which is neutral and non-polar, at codon 798 of the ITGA7 protein (p.Arg798Gly). This variant is not present in population databases (gnomAD no frequency). This variant has not been reported in the literature in individuals affected with ITGA7-related conditions. ClinVar contains an entry for this variant (Variation ID: 1484695). Invitae Evidence Modeling of protein sequence and biophysical properties (such as structural, functional, and spatial information, amino acid conservation, physicochemical variation, residue mobility, and thermodynamic stability) indicates that this missense variant is not expected to disrupt ITGA7 protein function with a negative predictive value of 80%. In summary, the available evidence is currently insufficient to determine the role of this variant in disease. Therefore, it has been classified as a Variant of Uncertain Significance.

NM_002206.3(ITGA7):c.2392C>G (p.Arg798Gly)

Genes: ITGA7 (integrin subunit alpha 7; minus strand), LOC126861535 (CDK7 strongly-dependent group 2 enhancer GRCh37_chr12:56087579-56088778; plus strand). Cytogenetic location: 12q13.2.
Variant type: single nucleotide variant.
Coding change: c.2392C>G on transcript NM_002206.3 (MANE Select); coding-DNA position 2392, C replaced by G.
Protein change: p.Arg798Gly; replaces arginine 798 with glycine.
Molecular consequence: missense variant.
Genome position (GRCh38, 1-based): chr12:55,694,296, G>C on the plus strand (C>G on the coding strand, the complement: ITGA7 is on the minus strand). VCF-style: chr12-55694296-G-C. GRCh37 (hg19) VCF-style: chr12-56088080-G-C.
Other names: c.2404C>G, p.Arg802Gly (NM_001144996.2); c.2113C>G, p.Arg705Gly (NM_001144997.2); c.2065C>G, p.Arg689Gly (NM_001367993.1); c.1048C>G, p.Arg350Gly (NM_001367994.1); c.2374C>G, p.Arg792Gly (NM_001374465.1); c.2524C>G, p.Arg842Gly (NM_001410977.1); c.2386C>G, p.Arg796Gly (NM_001414029.1); c.2317C>G, p.Arg773Gly (NM_001414030.1); and 5 more; short protein forms R350G, R792G, R798G, R689G, R705G, R802G, R842G, R723G.
Identifiers: ClinVar variation 1484695 (VCV001484695.8), dbSNP rs755438542, ClinGen allele CA385182894.